The following is an entry in ClinVar:

NM_000204.5(CFI):c.1322A>G (p.Lys441Arg)

Gene: CFI (complement factor I; minus strand). Cytogenetic location: 4q25.
Variant type: single nucleotide variant.
Coding change: c.1322A>G on transcript NM_000204.5 (MANE Select); coding-DNA position 1322, A replaced by G.
Protein change: p.Lys441Arg; replaces lysine 441 with arginine.
Molecular consequence: missense variant. On other transcripts: non-coding transcript variant (2).
Genome position (GRCh38, 1-based): chr4:109,746,329, T>C on the plus strand (A>G on the coding strand, the complement: CFI is on the minus strand). VCF-style: chr4-109746329-T-C. GRCh37 (hg19) VCF-style: chr4-110667485-T-C.
Other names: p.Lys441Arg; c.1322A>G (NM_000204.4); c.1346A>G, p.Lys449Arg (NM_001318057.2, NM_001375278.1); c.1301A>G, p.Lys434Arg (NM_001331035.2, NM_001375280.1, NM_001375282.1); c.1322A>G, p.Lys441Arg (NM_001375279.1, NM_001375281.1); c.1265A>G, p.Lys422Arg (NM_001375283.1); c.713A>G, p.Lys238Arg (NM_001375284.1); short protein forms K441R, K434R, K449R, K238R, K422R.
Identifiers: ClinVar variation 347156 (VCV000347156.77), dbSNP rs41278047, ClinGen allele CA3041942.
Genomic context (GRCh38, chr4:109,746,329, plus strand): 5'-AATAGGTAAGGAGACCAGGGGACACAGGCAGGGATGGAACGAGGCAGCTCACAATCTTTT[T>C]TGTTTCCGTCTTTTTTCATTTCAATCAAAGCGATGTCATTTTGGTAAGTGCCTGCATTGT-3'
Protein context (NP_000195.3, residues 431-451): ALIEMKKDGN[Lys441Arg]KDCELPRSIP

ClinVar aggregate classification (germline): Conflicting classifications of pathogenicity. Review status: criteria provided, conflicting classifications (1 of 4 stars). 15 submissions from 15 submitters: Uncertain significance (1); Benign (5); Likely benign (6). 3 of the submissions do not count toward it. Last evaluated 2026-09-17.

Conditions:
Atypical hemolytic-uremic syndrome. Identifiers: Orphanet 2134, MedGen C2931788, MONDO:0016244.
Age related macular degeneration 13. Identifiers: MedGen C3809523, MONDO:0014189, OMIM 615439.
Atypical hemolytic-uremic syndrome with I factor anomaly. Also called: HEMOLYTIC UREMIC SYNDROME, ATYPICAL, SUSCEPTIBILITY TO, 3; AHUS, SUSCEPTIBILITY TO, 3. Identifiers: Orphanet 2134, MedGen C2752039, MONDO:0013041, OMIM 612923.
Factor I deficiency (CFID). Also called: Complement factor I deficiency. Identifiers: Orphanet 200418, MedGen C3463916, MONDO:0012594, OMIM 610984.
Thrombotic microangiopathy. Identifiers: Orphanet 93573, MedGen C2717961, MeSH D057049, MONDO:0019737.
Inborn genetic diseases. Identifiers: MedGen C0950123, MeSH D030342.
CFI-related disorder. Also called: CFI-related disorders; CFI-related condition. Identifiers: MedGen CN239325.

Allele frequency attached by ClinVar (database versions not stated): 1000 Genomes Project 30x 0.00172; gnomAD 0.00243 and 0.00251; TOPMed 0.00280; ExAC 0.00342; ESP Exome Variant Server 0.00361; gnomAD exomes 0.00389; 1000 Genomes Project 0.00120.
gnomAD v4.1: 4,248 of 1,614,214 alleles (0.26%); highest among the groups gnomAD compares: Middle Eastern, 3%; 47 homozygotes.

Submissions (15):

Genomenon, Inc
Classification: Benign for CFI-related disorder. Last evaluated: 2026-09-17. Review status: criteria provided, single submitter. Criteria: Genomenon Sequence Variant Interpretation Standards - Updated. Collection method: curation. Allele origin: germline. Affected: no.
Comment: CFI p.Lys441Arg (c.1322A>G) is a missense variant that changes the amino acid at codon 441 from Lysine to Arginine. This variant has been reported in the published literature (PMID:32510551). Well-established functional studies show no damaging effect of this variant on protein function, supporting a benign classification (PMID:38852887;35531992). In conclusion, we classify CFI p.Lys441Arg (c.1322A>G) as a benign variant.

Women's Health and Genetics/Laboratory Corporation of America, LabCorp
Classification: Likely benign. Last evaluated: 2026-04-15. Review status: criteria provided, single submitter. Criteria: LabCorp Variant Classification Summary - May 2015. Collection method: clinical testing. Allele origin: germline.
Comment: Variant summary: CFI c.1322A>G (p.Lys441Arg) results in a conservative amino acid change in the encoded protein sequence. Algorithms developed to predict the effect of missense changes on protein structure and function all suggest that this variant is likely to be tolerated. The variant allele was found at a frequency of 0.0039 in 251428 control chromosomes, predominantly at a frequency of 0.0033 within the South Asian subpopulation in the gnomAD database, including 1 homozygotes. The observed variant frequency within South Asian control individuals in the gnomAD database exceeds the estimated maximal expected allele frequency for disease-causing variants in CFI. c.1322A>G has been observed in individuals affected with Haemolytic uraemic syndrome, atypical / C3 glomerulopathy and/or macular degeneration without clinical details (Geerlings_2018). These report(s) do not provide unequivocal conclusions about association of the variant with Factor I deficiency. At least one publication reports experimental evidence evaluating an impact on protein function (de Jong_2020). These results showed no damaging effect of this variant. The following publications have been ascertained in the context of this evaluation (PMID: 29888403, 32510551). ClinVar contains an entry for this variant (Variation ID: 347156). Based on the evidence outlined above, the variant was classified as likely benign.

CeGaT Center for Human Genetics Tuebingen
Classification: Likely benign. Last evaluated: 2026-04-01. Review status: criteria provided, single submitter. Criteria: CeGaT Center For Human Genetics Tuebingen Variant Classification Criteria Version 2. Collection method: clinical testing. Allele origin: germline. Affected: yes. Observed: 6 variant alleles.
Comment: CFI: BP4, BS2

Labcorp Genetics (formerly Invitae), Labcorp
Classification: Benign. Last evaluated: 2026-01-26. Review status: criteria provided, single submitter. Criteria: Invitae Variant Classification Sherloc (09022015). Collection method: clinical testing. Allele origin: germline.

Blueprint Genetics
Classification: Likely benign. Last evaluated: 2024-11-13. Review status: criteria provided, single submitter. Criteria: ACMG Guidelines, 2015. Collection method: clinical testing. Allele origin: germline.

Mayo Clinic Laboratories, Mayo Clinic
Classification: Benign. Last evaluated: 2023-01-13. Review status: criteria provided, single submitter. Criteria: ACMG Guidelines, 2015. Collection method: clinical testing. Allele origin: germline. Observed: 22 variant alleles.
Comment: BS1, BS3, BP4

Mendelics
Classification: Uncertain significance. Last evaluated: 2022-05-04. Review status: criteria provided, single submitter. Criteria: Mendelics Assertion Criteria 2019. Collection method: clinical testing. Allele origin: germline.

Ambry Genetics
Classification: Likely benign for Inborn genetic diseases. Last evaluated: 2021-11-15. Review status: criteria provided, single submitter. Criteria: Ambry Variant Classification Scheme 2023. Collection method: clinical testing. Allele origin: germline.

Genome Diagnostics Laboratory, The Hospital for Sick Children
Classification: Benign for Atypical hemolytic-uremic syndrome. Last evaluated: 2020-03-01. Review status: criteria provided, single submitter. Criteria: ACMG Guidelines, 2015. Collection method: clinical testing. Allele origin: germline.

Illumina Laboratory Services, Illumina
Classification: Benign for Atypical hemolytic-uremic syndrome with I factor anomaly. Last evaluated: 2018-01-12. Review status: criteria provided, single submitter. Criteria: ICSL Variant Classification Criteria 13 December 2019. Collection method: clinical testing. Allele origin: germline.
Comment: This variant was observed in the ICSL laboratory as part of a predisposition screen in an ostensibly healthy population. It had not been previously curated by ICSL or reported in the Human Gene Mutation Database (HGMD: prior to June 1st, 2018), and was therefore a candidate for classification through an automated scoring system. Utilizing variant allele frequency, disease prevalence and penetrance estimates, and inheritance mode, an automated score was calculated to assess if this variant is too frequent to cause the disease. Based on the score and internal cut-off values, a variant classified as benign is not then subjected to further curation. The score for this variant resulted in a classification of benign for this disease.

John Atkinson Laboratory, Washington University School of Medicine in St. Louis
Classification: Likely benign for Thrombotic microangiopathy. Last evaluated: 2015-06-20. Review status: criteria provided, single submitter. Criteria: ACMG Guidelines, 2015. Collection method: clinical testing. Allele origin: germline. Affected: yes.

Center for Genomics, Ann and Robert H. Lurie Children's Hospital of Chicago
Classification: Likely benign for Atypical hemolytic-uremic syndrome with I factor anomaly; Age related macular degeneration 13; Factor I deficiency. Review status: criteria provided, single submitter. Criteria: ACMG Guidelines, 2015. Collection method: clinical testing. Allele origin: germline.
Comment: This variant is present in the Genome Aggregation Database (Highest reported MAF: 4.8% [498/10368], including 17 homozygotes). It is present in ClinVar (Variation ID: 347156). Evolutionary conservation and computational predictive tools are unclear for this variant. In summary, data on this variant suggests that this variant does not cause disease but requires further evidence. Therefore, this variant is classified as likely benign.

Clinical Genetics DNA and cytogenetics Diagnostics Lab, Erasmus MC, Erasmus Medical Center
Classification: Likely benign. Review status: no assertion criteria provided. Collection method: clinical testing. Allele origin: germline. Affected: yes. Study: VKGL Data-share Consensus. Not counted in ClinVar's aggregate classification.

Diagnostic Laboratory, Department of Genetics, University Medical Center Groningen
Classification: Benign. Review status: no assertion criteria provided. Collection method: clinical testing. Allele origin: germline. Affected: yes. Study: VKGL Data-share Consensus. Not counted in ClinVar's aggregate classification.

Genome Diagnostics Laboratory, University Medical Center Utrecht
Classification: Likely benign. Review status: no assertion criteria provided. Collection method: clinical testing. Allele origin: germline. Affected: yes. Study: VKGL Data-share Consensus. Not counted in ClinVar's aggregate classification.

Literature cited by the submitters: PubMed 32510551 (cited by Genomenon, Inc and Women's Health and Genetics/Laboratory Corporation of America, LabCorp); PubMed 38852887 (cited by Genomenon, Inc); PubMed 35531992 (cited by Genomenon, Inc); PubMed 29888403 (cited by Women's Health and Genetics/Laboratory Corporation of America, LabCorp).